The following is an entry in ClinVar:

ClinVar aggregate classification (germline): Uncertain significance (1 of 4 stars; one submission).

gnomAD v4.1: 1 of 1,614,148 alleles (0.000062%); highest among the groups gnomAD compares: Non-Finnish European, 0.000085%; no homozygotes.

Submission:

GeneDx
Classification: Uncertain significance. Last evaluated: 2019-05-21. Review status: criteria provided, single submitter. Criteria: GeneDx Variant Classification Process June 2021. Collection method: clinical testing. Allele origin: germline. Affected: yes.
Comment: Not observed in large population cohorts (Lek et al., 2016); In silico analysis, which includes protein predictors and evolutionary conservation, supports a deleterious effect; Has not been previously published as pathogenic or benign to our knowledge

NM_182548.4(LHFPL5):c.97A>C (p.Thr33Pro)

Gene: LHFPL5 (LHFPL tetraspan subfamily member 5; plus strand). Cytogenetic location: 6p21.31.
Variant type: single nucleotide variant.
Coding change: c.97A>C on transcript NM_182548.4 (MANE Select); coding-DNA position 97, A replaced by C.
Protein change: p.Thr33Pro; replaces threonine 33 with proline.
Molecular consequence: missense variant.
Genome position (GRCh38, 1-based): chr6:35,805,767, A>C. VCF-style: chr6-35805767-A-C. GRCh37 (hg19) VCF-style: chr6-35773544-A-C.
Other names: short protein forms T33P.
Identifiers: ClinVar variation 1305696 (VCV001305696.2), dbSNP rs2151068713, ClinGen allele CA363784214.